The following is an entry in ClinVar:

ClinVar aggregate classification (germline): Pathogenic. Review status: criteria provided, multiple submitters, no conflicts (2 of 4 stars). 2 submissions from 2 submitters: Pathogenic (2). Last evaluated 2024-01-14.

Conditions:
Dystonia 5 (DRD). Also called: Dystonia, DOPA-responsive, with or without hyperphenylalaninemia; DYSTONIA, PROGRESSIVE, WITH DIURNAL VARIATION; DYSTONIA-PARKINSONISM WITH DIURNAL FLUCTUATION; DYT-GCH1; GTP Cyclohydrolase 1-Deficient Dopa-Responsive Dystonia. Identifiers: Orphanet 98808, MedGen C1851920, MONDO:0007495, OMIM 128230.
GTP cyclohydrolase I deficiency. Identifiers: MedGen C0268467, MONDO:0100184.

Submissions (2):

Labcorp Genetics (formerly Invitae), Labcorp
Classification: Pathogenic for GTP cyclohydrolase I deficiency; Dystonia 5. Last evaluated: 2024-01-14. Review status: criteria provided, single submitter. Criteria: Invitae Variant Classification Sherloc (09022015). Collection method: clinical testing. Allele origin: germline.
Comment: This sequence change affects the initiator methionine of the GCH1 mRNA. The next in-frame methionine is located at codon 102. This variant is not present in population databases (gnomAD no frequency). Disruption of the initiator codon has been observed in individuals with dopamine-responsive dystonia (PMID: 9576537, 17557242, 20437540, 21935284, 22373569; Invitae). It has also been observed to segregate with disease in related individuals. ClinVar contains an entry for this variant (Variation ID: 642685). For these reasons, this variant has been classified as Pathogenic.

GeneDx
Classification: Pathogenic. Last evaluated: 2022-03-29. Review status: criteria provided, single submitter. Criteria: GeneDx Variant Classification Process June 2021. Collection method: clinical testing. Allele origin: germline. Affected: yes.
Comment: Reported in the heterozygous state in a family, including two siblings with dopa-responsive dystonia, their unaffected father, and an unaffected child of one of the siblings, in the published literature (Naiya et al., 2012); Initiation codon variant in a gene for which loss-of-function is a known mechanism of disease; Not observed in large population cohorts (gnomAD); This variant is associated with the following publications: (PMID: 22373569)

Literature cited by the submitters: PubMed 9576537 (cited by Labcorp Genetics (formerly Invitae), Labcorp); PubMed 17557242 (cited by Labcorp Genetics (formerly Invitae), Labcorp); PubMed 20437540 (cited by Labcorp Genetics (formerly Invitae), Labcorp); PubMed 21935284 (cited by Labcorp Genetics (formerly Invitae), Labcorp); PubMed 22373569 (cited by Labcorp Genetics (formerly Invitae), Labcorp).

NM_000161.3(GCH1):c.1A>G (p.Met1Val)

Genes: GCH1 (GTP cyclohydrolase 1; minus strand), LOC130055692 (ATAC-STARR-seq lymphoblastoid silent region 5776; plus strand). Cytogenetic location: 14q22.2.
Variant type: single nucleotide variant.
Coding change: c.1A>G on transcript NM_000161.3 (MANE Select); coding-DNA position 1, A replaced by G.
Protein change: p.Met1Val; changes the start codon (methionine 1).
Molecular consequence: missense variant, initiator codon variant.
Genome position (GRCh38, 1-based): chr14:54,902,663, T>C on the plus strand (A>G on the coding strand, the complement: GCH1 is on the minus strand). VCF-style: chr14-54902663-T-C. GRCh37 (hg19) VCF-style: chr14-55369381-T-C.
Other names: c.1A>G, p.Met1Val (NM_001024024.2, NM_001024070.2, NM_001024071.2); short protein forms M1V.
Identifiers: ClinVar variation 642685 (VCV000642685.11), dbSNP rs1555362907, ClinGen allele CA389795049.